The following is an entry in ClinVar:

ClinVar aggregate classification (germline): Uncertain significance (1 of 4 stars; one submission).

Submission:

Labcorp Genetics (formerly Invitae), Labcorp
Classification: Uncertain significance. Last evaluated: 2024-10-09. Review status: criteria provided, single submitter. Criteria: Invitae Variant Classification Sherloc (09022015). Collection method: clinical testing. Allele origin: germline.
Comment: This sequence change replaces arginine, which is basic and polar, with tryptophan, which is neutral and slightly polar, at codon 215 of the BMP2 protein (p.Arg215Trp). This variant is not present in population databases (gnomAD no frequency). This variant has not been reported in the literature in individuals affected with BMP2-related conditions. An algorithm developed to predict the effect of missense changes on protein structure and function (PolyPhen-2) suggests that this variant is likely to be disruptive. In summary, the available evidence is currently insufficient to determine the role of this variant in disease. Therefore, it has been classified as a Variant of Uncertain Significance.

NM_001200.4(BMP2):c.643C>T (p.Arg215Trp)

Gene: BMP2 (bone morphogenetic protein 2; plus strand). Cytogenetic location: 20p12.3.
Variant type: single nucleotide variant.
Coding change: c.643C>T on transcript NM_001200.4 (MANE Select); coding-DNA position 643, C replaced by T.
Protein change: p.Arg215Trp; replaces arginine 215 with tryptophan.
Molecular consequence: missense variant.
Genome position (GRCh38, 1-based): chr20:6,778,541, C>T. VCF-style: chr20-6778541-C-T. GRCh37 (hg19) VCF-style: chr20-6759188-C-T.
Other names: short protein forms R215W.
Identifiers: ClinVar variation 3622455 (VCV003622455.2).
Genomic context (GRCh38, chr20:6,778,541, plus strand): 5'-AGGTTGGTGAATCAGAATGCAAGCAGGTGGGAAAGTTTTGATGTCACCCCCGCTGTGATG[C>T]GGTGGACTGCACAGGGACACGCCAACCATGGATTCGTGGTGGAAGTGGCCCACTTGGAGG-3'
Protein context (NP_001191.1, residues 205-225): ESFDVTPAVM[Arg215Trp]WTAQGHANHG